The following is an entry in ClinVar:

ClinVar aggregate classification (germline): Uncertain significance. Review status: criteria provided, multiple submitters, no conflicts (2 of 4 stars). 2 submissions from 2 submitters: Uncertain significance (2). Last evaluated 2024-04-17.

gnomAD v4.1: 3 of 1,613,620 alleles (0.00019%); highest among the groups gnomAD compares: Admixed American, 0.005%; no homozygotes.

Submissions (2):

GeneDx
Classification: Uncertain significance. Last evaluated: 2024-04-17. Review status: criteria provided, single submitter. Criteria: GeneDx Variant Classification Process June 2021. Collection method: clinical testing. Allele origin: germline. Affected: yes.
Comment: Not observed at significant frequency in large population cohorts (gnomAD); In silico analysis supports that this missense variant has a deleterious effect on protein structure/function; Has not been previously published as pathogenic or benign to our knowledge

Blueprint Genetics
Classification: Uncertain significance. Last evaluated: 2019-12-16. Review status: criteria provided, single submitter. Criteria: ACMG Guidelines, 2015. Collection method: clinical testing. Allele origin: germline.

NM_013296.5(GPSM2):c.1706T>G (p.Leu569Trp)

Gene: GPSM2 (G protein signaling modulator 2; plus strand). Cytogenetic location: 1p13.3.
Variant type: single nucleotide variant.
Coding change: c.1706T>G on transcript NM_013296.5 (MANE Select); coding-DNA position 1706, T replaced by G.
Protein change: p.Leu569Trp; replaces leucine 569 with tryptophan.
Molecular consequence: missense variant.
Genome position (GRCh38, 1-based): chr1:108,924,105, T>G. VCF-style: chr1-108924105-T-G. GRCh37 (hg19) VCF-style: chr1-109466727-T-G.
Other names: c.1706T>G, p.Leu569Trp (NM_001321038.2, NM_001321039.3); short protein forms L569W.
Identifiers: ClinVar variation 3372294 (VCV003372294.2).